The following is an entry in ClinVar:

ClinVar aggregate classification (germline): Uncertain significance (1 of 4 stars; one submission).

Conditions:
Charcot-Marie-Tooth disease type 2R. Also called: CHARCOT-MARIE-TOOTH DISEASE, AXONAL, AUTOSOMAL RECESSIVE, TYPE 2R; Charcot-Marie-Tooth disease, axonal, type 2R; CHARCOT-MARIE-TOOTH NEUROPATHY, TYPE 2R. Identifiers: Orphanet 397968, MedGen C3809655, MONDO:0014208, OMIM 615490.

Allele frequency attached by ClinVar (database versions not stated): gnomAD exomes 0.00001; ExAC 0.00003.
gnomAD v4.1: 7 of 1,599,494 alleles (0.00044%); highest among the groups gnomAD compares: Non-Finnish European, 0.00026%; no homozygotes.

Submission:

Labcorp Genetics (formerly Invitae), Labcorp
Classification: Uncertain significance for Charcot-Marie-Tooth disease type 2R. Last evaluated: 2024-10-18. Review status: criteria provided, single submitter. Criteria: Invitae Variant Classification Sherloc (09022015). Collection method: clinical testing. Allele origin: germline.
Comment: This sequence change falls in intron 4 of the TRIM2 gene. It does not directly change the encoded amino acid sequence of the TRIM2 protein. It affects a nucleotide within the consensus splice site. This variant is present in population databases (rs776278913, gnomAD 0.01%). This variant has not been reported in the literature in individuals affected with TRIM2-related conditions. ClinVar contains an entry for this variant (Variation ID: 851260). Variants that disrupt the consensus splice site are a relatively common cause of aberrant splicing (PMID: 17576681, 9536098). Algorithms developed to predict the effect of sequence changes on RNA splicing suggest that this variant is not likely to affect RNA splicing. In summary, the available evidence is currently insufficient to determine the role of this variant in disease. Therefore, it has been classified as a Variant of Uncertain Significance.

Literature cited by the submitters: PubMed 17576681; PubMed 9536098.

NM_015271.5(TRIM2):c.605+6G>A

Gene: TRIM2 (tripartite motif containing 2; plus strand). Cytogenetic location: 4q31.3.
Variant type: single nucleotide variant.
Coding change: c.605+6G>A on transcript NM_015271.5 (MANE Select); 6 bases into the intron after coding-DNA position 605, G replaced by A.
Molecular consequence: intron variant.
Genome position (GRCh38, 1-based): chr4:153,293,139, G>A. VCF-style: chr4-153293139-G-A. GRCh37 (hg19) VCF-style: chr4-154214291-G-A.
Other names: c.524+6G>A (NM_001375517.1, NM_001375514.1, NM_001351056.2 and 5 more transcripts); c.266+6G>A (NM_001375525.1, NM_001375523.1, NM_001375522.1); c.149+6G>A (NM_001351057.2); c.698+6G>A (NM_001375488.1); c.605+6G>A (NM_001375490.1); c.454-2174G>A (NM_001375519.1); c.695+6G>A (NM_001375489.1); c.602+6G>A (NM_001375491.1); and 3 more.
Identifiers: ClinVar variation 851260 (VCV000851260.9), dbSNP rs776278913, ClinGen allele CA3108579.